The following is an entry in ClinVar:

NM_014956.5(CEP164):c.4163+3_4163+6del

Gene: CEP164 (centrosomal protein 164; plus strand). Cytogenetic location: 11q23.3.
Variant type: Deletion.
Coding change: c.4163+3_4163+6del on transcript NM_014956.5 (MANE Select); bases 3 to 6 of the intron after coding-DNA position 4163, 4 bases deleted (GAGC; older notation c.4163+3_4163+6delGAGC).
Molecular consequence: intron variant.
Genome position (GRCh38, 1-based): chr11:117,410,897-117,410,900, GAGC deleted. VCF-style (leftmost placement, unchanged base first): chr11-117410896-TGAGC-T. GRCh37 (hg19) VCF-style: chr11-117281612-TGAGC-T.
Other names: c.4148+3_4148+6del (NM_001271933.2).
Identifiers: ClinVar variation 1022679 (VCV001022679.7), dbSNP rs2047273023, ClinGen allele CA2003028783.

ClinVar aggregate classification (germline): Uncertain significance (1 of 4 stars; one submission).

Conditions:
Nephronophthisis 15 (NPHP15). Identifiers: Orphanet 3156, MedGen C3541853, MONDO:0013917, OMIM 614845.

Submission:

Labcorp Genetics (formerly Invitae), Labcorp
Classification: Uncertain significance for Nephronophthisis 15. Last evaluated: 2020-02-18. Review status: criteria provided, single submitter. Criteria: Invitae Variant Classification Sherloc (09022015). Collection method: clinical testing. Allele origin: germline.
Comment: This sequence change falls in intron 31 of the CEP164 gene. It does not directly change the encoded amino acid sequence of the CEP164 protein, but it affects a nucleotide within the consensus splice site of the intron. This variant is not present in population databases (ExAC no frequency). This variant has not been reported in the literature in individuals with CEP164-related conditions. Nucleotide substitutions within the consensus splice site are a relatively common cause of aberrant splicing (PMID: 17576681, 9536098). Algorithms developed to predict the effect of sequence changes on RNA splicing suggest that this variant may disrupt the consensus splice site, but this prediction has not been confirmed by published transcriptional studies. In summary, the available evidence is currently insufficient to determine the role of this variant in disease. Therefore, it has been classified as a Variant of Uncertain Significance.

Literature cited by the submitters: PubMed 17576681; PubMed 9536098.